The following is an entry in ClinVar:

NM_001351132.2(PEX5):c.1338G>A (p.Gly446=)

Gene: PEX5 (peroxisomal biogenesis factor 5; plus strand). Cytogenetic location: 12p13.31.
Variant type: single nucleotide variant.
Coding change: c.1338G>A on transcript NM_001351132.2 (MANE Select); coding-DNA position 1338, G replaced by A.
Protein change: p.Gly446=; no amino-acid change (glycine 446 retained).
Molecular consequence: synonymous variant.
Genome position (GRCh38, 1-based): chr12:7,208,613, G>A. VCF-style: chr12-7208613-G-A. GRCh37 (hg19) VCF-style: chr12-7361209-G-A.
Other names: c.1338G>A (NM_001131025.1); c.1314G>A, p.Gly438= (NM_000319.5); c.1383G>A, p.Gly461= (NM_001131023.2); c.1227G>A, p.Gly409= (NM_001131024.2, NM_001351124.3, NM_001351126.2 and 7 more transcripts); c.1338G>A, p.Gly446= (NM_001131025.2, NM_001131026.2, NM_001300789.3 and 4 more transcripts); c.1272G>A, p.Gly424= (NM_001351135.3, NM_001351138.2); c.1329G>A, p.Gly443= (NM_001351136.2); c.1203G>A, p.Gly401= (NM_001351139.2, NM_001351140.2, NM_001374649.2).
Identifiers: ClinVar variation 1105447 (VCV001105447.10), dbSNP rs1359071852, ClinGen allele CA478186807.

ClinVar aggregate classification (germline): Likely benign. Review status: criteria provided, multiple submitters, no conflicts (2 of 4 stars). 2 submissions from 2 submitters: Likely benign (2). Last evaluated 2025-11-26.

Conditions:
PEX5-related disorder. Also called: PEX5-related condition; PEX5-Related Disorders.
Peroxisome biogenesis disorder 2B (PBD2B). Identifiers: Orphanet 44, MedGen C3550234, MONDO:0008736, OMIM 202370.

Allele frequency attached by ClinVar (database versions not stated): gnomAD exomes below 0.00001 and 0.00001.
gnomAD v4.1: 22 of 1,614,154 alleles (0.0014%); highest among the groups gnomAD compares: Non-Finnish European, 0.0018%; no homozygotes.

Submissions (2):

PreventionGenetics, part of Exact Sciences
Classification: Likely benign for PEX5-related condition. Last evaluated: 2025-11-26. Review status: criteria provided, single submitter. Criteria: ACMG Guidelines, 2015. Collection method: clinical testing. Allele origin: germline.
Comment: This variant is classified as likely benign based on ACMG/AMP sequence variant interpretation guidelines (Richards et al. 2015 PMID: 25741868, with internal and published modifications).

Labcorp Genetics (formerly Invitae), Labcorp
Classification: Likely benign for Peroxisome biogenesis disorder 2B. Last evaluated: 2022-02-24. Review status: criteria provided, single submitter. Criteria: Invitae Variant Classification Sherloc (09022015). Collection method: clinical testing. Allele origin: germline.